The following is an entry in ClinVar:

ClinVar aggregate classification (germline): Benign. Review status: criteria provided, multiple submitters, no conflicts (2 of 4 stars). 3 submissions from 3 submitters: Benign (3). Last evaluated 2025-11-12.

Conditions:
Split hand-foot malformation 3. Also called: CHROMOSOME 10q24 DUPLICATION SYNDROME; SHSF3; Buttiens Fryns syndrome. Identifiers: Orphanet 1307, MedGen C1838652, MONDO:0009525, OMIM 246560.

Allele frequency attached by ClinVar (database versions not stated): 1000 Genomes Project 30x 0.00156; 1000 Genomes Project 0.00160; TOPMed 0.00450; ESP Exome Variant Server 0.00461; gnomAD 0.00546 and 0.00575; ExAC 0.00566; gnomAD exomes 0.00573.
gnomAD v4.1: 8,886 of 1,593,688 alleles (0.56%); highest among the groups gnomAD compares: Non-Finnish European, 0.56%; 37 homozygotes.

Submissions (3):

Labcorp Genetics (formerly Invitae), Labcorp
Classification: Benign. Last evaluated: 2025-11-12. Review status: criteria provided, single submitter. Criteria: Invitae Variant Classification Sherloc (09022015). Collection method: clinical testing. Allele origin: germline.

Illumina Laboratory Services, Illumina
Classification: Benign for Split hand-foot malformation 3. Last evaluated: 2018-01-13. Review status: criteria provided, single submitter. Criteria: ICSL Variant Classification Criteria 13 December 2019. Collection method: clinical testing. Allele origin: germline.
Comment: This variant was observed in the ICSL laboratory as part of a predisposition screen in an ostensibly healthy population. It had not been previously curated by ICSL or reported in the Human Gene Mutation Database (HGMD: prior to June 1st, 2018), and was therefore a candidate for classification through an automated scoring system. Utilizing variant allele frequency, disease prevalence and penetrance estimates, and inheritance mode, an automated score was calculated to assess if this variant is too frequent to cause the disease. Based on the score and internal cut-off values, a variant classified as benign is not then subjected to further curation. The score for this variant resulted in a classification of benign for this disease.

Eurofins Ntd Llc (ga)
Classification: Benign. Last evaluated: 2015-07-28. Review status: criteria provided, single submitter. Criteria: EGL Classification Definitions 2015. Collection method: clinical testing. Allele origin: germline. Observed: 1 variant allele, 1 heterozygote.

NM_022039.4(FBXW4):c.1410T>C (p.Tyr470=)

Gene: FBXW4 (F-box and WD repeat domain containing 4; minus strand). Cytogenetic location: 10q24.32.
Variant type: single nucleotide variant.
Coding change: c.1410T>C on transcript NM_022039.4 (MANE Select); coding-DNA position 1410, T replaced by C.
Protein change: p.Tyr470=; no amino-acid change (tyrosine 470 retained).
Molecular consequence: synonymous variant. On other transcripts: non-coding transcript variant (1).
Genome position (GRCh38, 1-based): chr10:101,612,369, A>G on the plus strand (T>C on the coding strand, the complement: FBXW4 is on the minus strand). VCF-style: chr10-101612369-A-G. GRCh37 (hg19) VCF-style: chr10-103372126-A-G.
Other names: c.684T>C, p.Tyr228= (NM_001323541.2).
Identifiers: ClinVar variation 281768 (VCV000281768.17), dbSNP rs35614606, ClinGen allele CA5657254.